The following is an entry in ClinVar:

NM_001080517.3(SETD5):c.426G>T (p.Glu142Asp)

Gene: SETD5 (SET domain containing 5; plus strand). Cytogenetic location: 3p25.3.
Variant type: single nucleotide variant.
Coding change: c.426G>T on transcript NM_001080517.3 (MANE Select); coding-DNA position 426, G replaced by T.
Protein change: p.Glu142Asp; replaces glutamic acid 142 with aspartic acid.
Molecular consequence: missense variant.
Genome position (GRCh38, 1-based): chr3:9,435,765, G>T. VCF-style: chr3-9435765-G-T. GRCh37 (hg19) VCF-style: chr3-9477449-G-T.
Other names: c.93G>T, p.Glu31Asp (NM_001292043.2, NM_001349451.2); short protein forms E142D, E31D.
Identifiers: ClinVar variation 2967386 (VCV002967386.3), dbSNP rs750724220, ClinGen allele CA2238948.

ClinVar aggregate classification (germline): Uncertain significance (1 of 4 stars; one submission).

Allele frequency attached by ClinVar (database versions not stated): gnomAD 0.00001; TOPMed 0.00001; ExAC 0.00002.
gnomAD v4.1: 75 of 1,601,088 alleles (0.0047%); highest among the groups gnomAD compares: Non-Finnish European, 0.0064%; no homozygotes.

Submission:

Labcorp Genetics (formerly Invitae), Labcorp
Classification: Uncertain significance. Last evaluated: 2023-12-22. Review status: criteria provided, single submitter. Criteria: Invitae Variant Classification Sherloc (09022015). Collection method: clinical testing. Allele origin: germline.
Comment: This sequence change replaces glutamic acid, which is acidic and polar, with aspartic acid, which is acidic and polar, at codon 142 of the SETD5 protein (p.Glu142Asp). The frequency data for this variant in the population databases is considered unreliable, as metrics indicate poor data quality at this position in the gnomAD database. This variant has not been reported in the literature in individuals affected with SETD5-related conditions. Advanced modeling of protein sequence and biophysical properties (such as structural, functional, and spatial information, amino acid conservation, physicochemical variation, residue mobility, and thermodynamic stability) performed at Invitae indicates that this missense variant is not expected to disrupt SETD5 protein function with a negative predictive value of 80%. In summary, the available evidence is currently insufficient to determine the role of this variant in disease. Therefore, it has been classified as a Variant of Uncertain Significance.